The following is an entry in ClinVar:

NM_001276270.2(MBD4):c.359C>G (p.Ser120Cys)

Gene: MBD4 (methyl-CpG binding domain 4, DNA glycosylase; minus strand). Cytogenetic location: 3q21.3.
Variant type: single nucleotide variant.
Coding change: c.359C>G on transcript NM_001276270.2 (MANE Select); coding-DNA position 359, C replaced by G.
Protein change: p.Ser120Cys; replaces serine 120 with cysteine.
Molecular consequence: missense variant. On other transcripts: intron variant (1).
Genome position (GRCh38, 1-based): chr3:129,437,285, G>C on the plus strand (C>G on the coding strand, the complement: MBD4 is on the minus strand). VCF-style: chr3-129437285-G-C. GRCh37 (hg19) VCF-style: chr3-129156128-G-C.
Other names: c.359C>G, p.Ser120Cys (NM_001276271.2, NM_001276272.2, NM_003925.3); c.247+523C>G (NM_001276273.2); short protein forms S120C.
Identifiers: ClinVar variation 2800705 (VCV002800705.4), dbSNP rs2072484690, ClinGen allele CA354468221.

ClinVar aggregate classification (germline): Uncertain significance. Review status: criteria provided, multiple submitters, no conflicts (2 of 4 stars). 2 submissions from 2 submitters: Uncertain significance (2). Last evaluated 2025-06-11.

Conditions:
Inborn genetic diseases. Identifiers: MedGen C0950123, MeSH D030342.

Allele frequency attached by ClinVar (database versions not stated): gnomAD 0.00001; TOPMed below 0.00001.
gnomAD v4.1: 1 of 1,607,676 alleles (0.000062%); highest among the groups gnomAD compares: Admixed American, 0.0017%; no homozygotes.

Submissions (2):

Labcorp Genetics (formerly Invitae), Labcorp
Classification: Uncertain significance. Last evaluated: 2025-06-11. Review status: criteria provided, single submitter. Criteria: Invitae Variant Classification Sherloc (09022015). Collection method: clinical testing. Allele origin: germline.
Comment: This sequence change replaces serine, which is neutral and polar, with cysteine, which is neutral and slightly polar, at codon 120 of the MBD4 protein (p.Ser120Cys). This variant is not present in population databases (gnomAD no frequency). This variant has not been reported in the literature in individuals affected with MBD4-related conditions. ClinVar contains an entry for this variant (Variation ID: 2800705). An algorithm developed to predict the effect of missense changes on protein structure and function (PolyPhen-2) suggests that this variant is likely to be disruptive. In summary, the available evidence is currently insufficient to determine the role of this variant in disease. Therefore, it has been classified as a Variant of Uncertain Significance.

Ambry Genetics
Classification: Uncertain significance for Inborn genetic diseases. Last evaluated: 2025-02-16. Review status: criteria provided, single submitter. Criteria: Ambry Variant Classification Scheme 2023. Collection method: clinical testing. Allele origin: germline.
Comment: The p.S120C variant (also known as c.359C>G), located in coding exon 3 of the MBD4 gene, results from a C to G substitution at nucleotide position 359. The serine at codon 120 is replaced by cysteine, an amino acid with dissimilar properties. This amino acid position is conserved. In addition, this alteration is predicted to be deleterious by in silico analysis. Based on the available evidence, the clinical significance of this variant remains unclear.